The following is an entry in ClinVar:

NM_020975.6(RET):c.199C>G (p.Arg67Gly)

Gene: RET (ret proto-oncogene; plus strand). Cytogenetic location: 10q11.21.
Variant type: single nucleotide variant.
Coding change: c.199C>G on transcript NM_020975.6 (MANE Select); coding-DNA position 199, C replaced by G.
Protein change: p.Arg67Gly; replaces arginine 67 with glycine.
Molecular consequence: missense variant.
Genome position (GRCh38, 1-based): chr10:43,100,584, C>G. VCF-style: chr10-43100584-C-G. GRCh37 (hg19) VCF-style: chr10-43596032-C-G.
Other names: c.199C>G, p.Arg67Gly (NM_000323.2, NM_001406743.1, NM_001406744.1 and 34 more transcripts); short protein forms R67G.
Identifiers: ClinVar variation 997535 (VCV000997535.4), dbSNP rs749390385, ClinGen allele CA376770298.

ClinVar aggregate classification (germline): Uncertain significance (1 of 4 stars; one submission).

Conditions:
Hirschsprung disease, susceptibility to, 1 (HSCR1). Also called: RET-Related Hirschsprung Disease. Identifiers: Orphanet 388, MedGen C3888239, MONDO:0007723, OMIM 142623.

Submission:

Baylor Genetics
Classification: Uncertain significance for Hirschsprung disease, susceptibility to, 1. Last evaluated: 2020-02-23. Review status: criteria provided, single submitter. Criteria: ACMG Guidelines, 2015. Collection method: clinical testing. Allele origin: unknown. Affected: yes. Study: CSER-TexasKidsCanSeq.
Comment: This variant was determined to be of uncertain significance according to ACMG Guidelines, 2015 [PMID:25741868].